The following is an entry in ClinVar:

ClinVar aggregate classification (germline): Uncertain significance. Review status: criteria provided, single submitter (1 of 4 stars). 2 submissions from 2 submitters: Uncertain significance (1). 1 of the submissions does not count toward it. Last evaluated 2022-02-05.

Conditions:
GNPTG-mucolipidosis. Also called: MUCOLIPIDOSIS III, COMPLEMENTATION GROUP C; MUCOLIPIDOSIS III, IRANIAN VARIANT FORM; MUCOLIPIDOSIS III, VARIANT FORM; ML III GAMMA; ML IIIC; Mucolipidosis type III gamma. Identifiers: Orphanet 423470, Orphanet 577, MedGen C1854896, MONDO:0009652, OMIM 252605.

Allele frequency attached by ClinVar (database versions not stated): TOPMed below 0.00001; ExAC 0.00001; gnomAD 0.00001; gnomAD exomes 0.00001.
gnomAD v4.1: 19 of 1,612,384 alleles (0.0012%); highest among the groups gnomAD compares: East Asian, 0.0022%; no homozygotes.

Submissions (2):

Labcorp Genetics (formerly Invitae), Labcorp
Classification: Uncertain significance. Last evaluated: 2022-02-05. Review status: criteria provided, single submitter. Criteria: Invitae Variant Classification Sherloc (09022015). Collection method: clinical testing. Allele origin: germline.
Comment: ClinVar contains an entry for this variant (Variation ID: 847424). In summary, the available evidence is currently insufficient to determine the role of this variant in disease. Therefore, it has been classified as a Variant of Uncertain Significance. Variants that disrupt the consensus splice site are a relatively common cause of aberrant splicing (PMID: 17576681, 9536098). Algorithms developed to predict the effect of sequence changes on RNA splicing suggest that this variant is not likely to affect RNA splicing. This variant has not been reported in the literature in individuals affected with GNPTG-related conditions. This variant is present in population databases (rs751575030, gnomAD 0.006%). This sequence change falls in intron 6 of the GNPTG gene. It does not directly change the encoded amino acid sequence of the GNPTG protein. It affects a nucleotide within the consensus splice site.

Natera, Inc.
Classification: Uncertain significance for Mucolipidosis III gamma. Last evaluated: 2021-02-25. Review status: no assertion criteria provided. Collection method: clinical testing. Allele origin: germline. Not counted in ClinVar's aggregate classification.

Literature cited by the submitters: PubMed 17576681 (cited by Labcorp Genetics (formerly Invitae), Labcorp); PubMed 9536098 (cited by Labcorp Genetics (formerly Invitae), Labcorp).

NM_032520.5(GNPTG):c.411+4G>A

Gene: GNPTG (N-acetylglucosamine-1-phosphate transferase subunit gamma; plus strand). Cytogenetic location: 16p13.3.
Variant type: single nucleotide variant.
Coding change: c.411+4G>A on transcript NM_032520.5 (MANE Select); 4 bases into the intron after coding-DNA position 411, G replaced by A.
Molecular consequence: intron variant.
Genome position (GRCh38, 1-based): chr16:1,362,135, G>A. VCF-style: chr16-1362135-G-A. GRCh37 (hg19) VCF-style: chr16-1412136-G-A.
Identifiers: ClinVar variation 847424 (VCV000847424.9), dbSNP rs751575030, ClinGen allele CA7807669.